The following is an entry in ClinVar:

ClinVar aggregate classification (germline): Likely benign. Review status: criteria provided, single submitter (1 of 4 stars). 2 submissions from 2 submitters: Likely benign (1). 1 of the submissions does not count toward it. Last evaluated 2024-07-21.

Conditions:
GANAB-related disorder. Also called: GANAB-related condition.

Allele frequency attached by ClinVar (database versions not stated): gnomAD 0.00001; gnomAD exomes 0.00001; ExAC 0.00002; TOPMed 0.00002.
gnomAD v4.1: 6 of 1,567,258 alleles (0.00038%); highest among the groups gnomAD compares: East Asian, 0.013%; no homozygotes.

Submissions (2):

Labcorp Genetics (formerly Invitae), Labcorp
Classification: Likely benign. Last evaluated: 2024-07-21. Review status: criteria provided, single submitter. Criteria: Invitae Variant Classification Sherloc (09022015). Collection method: clinical testing. Allele origin: germline.

PreventionGenetics, part of Exact Sciences
Classification: Likely benign for GANAB-related condition. Last evaluated: 2019-04-09. Review status: no assertion criteria provided. Collection method: clinical testing. Allele origin: germline. Not counted in ClinVar's aggregate classification.
Comment: This variant is classified as likely benign based on ACMG/AMP sequence variant interpretation guidelines (Richards et al. 2015 PMID: 25741868, with internal and published modifications).

NM_198334.3(GANAB):c.2511+8C>G

Gene: GANAB (glucosidase II alpha subunit; minus strand). Cytogenetic location: 11q12.3.
Variant type: single nucleotide variant.
Coding change: c.2511+8C>G on transcript NM_198334.3 (MANE Select); 8 bases into the intron after coding-DNA position 2511, C replaced by G.
Molecular consequence: intron variant.
Genome position (GRCh38, 1-based): chr11:62,626,563, G>C on the plus strand (C>G on the coding strand, the complement: GANAB is on the minus strand). VCF-style: chr11-62626563-G-C. GRCh37 (hg19) VCF-style: chr11-62394035-G-C.
Other names: c.2577+8C>G (NM_198335.3, NM_198335.4); c.2169+8C>G (NM_001278193.2); c.2235+8C>G (NM_001278192.2); c.2220+8C>G (NM_001329223.2, NM_001278194.2, NM_001329222.2); c.1788+8C>G (NM_001329225.2, NM_001329224.2).
Identifiers: ClinVar variation 1645223 (VCV001645223.10), dbSNP rs749693061, ClinGen allele CA6050434.